The following is an entry in ClinVar:

ClinVar aggregate classification (germline): Uncertain significance (1 of 4 stars; one submission).

Conditions:
Hyperekplexia 3 (HKPX3). Also called: HYPEREKPLEXIA 3, AUTOSOMAL RECESSIVE; HYPEREKPLEXIA 3, AUTOSOMAL DOMINANT. Identifiers: Orphanet 3197, MedGen C3553288, MONDO:0013827, OMIM 614618.

Submission:

Labcorp Genetics (formerly Invitae), Labcorp
Classification: Uncertain significance for Hyperekplexia 3. Last evaluated: 2022-04-23. Review status: criteria provided, single submitter. Criteria: Invitae Variant Classification Sherloc (09022015). Collection method: clinical testing. Allele origin: germline.
Comment: This variant has not been reported in the literature in individuals affected with SLC6A5-related conditions. Advanced modeling of protein sequence and biophysical properties (such as structural, functional, and spatial information, amino acid conservation, physicochemical variation, residue mobility, and thermodynamic stability) performed at Invitae indicates that this missense variant is expected to disrupt SLC6A5 protein function. In summary, the available evidence is currently insufficient to determine the role of this variant in disease. Therefore, it has been classified as a Variant of Uncertain Significance. This variant is not present in population databases (gnomAD no frequency). This sequence change replaces tryptophan, which is neutral and slightly polar, with serine, which is neutral and polar, at codon 467 of the SLC6A5 protein (p.Trp467Ser).

NM_004211.5(SLC6A5):c.1400G>C (p.Trp467Ser)

Gene: SLC6A5 (solute carrier family 6 member 5; plus strand). Cytogenetic location: 11p15.1.
Variant type: single nucleotide variant.
Coding change: c.1400G>C on transcript NM_004211.5 (MANE Select); coding-DNA position 1400, G replaced by C.
Protein change: p.Trp467Ser; replaces tryptophan 467 with serine.
Molecular consequence: missense variant.
Genome position (GRCh38, 1-based): chr11:20,627,984, G>C. VCF-style: chr11-20627984-G-C. GRCh37 (hg19) VCF-style: chr11-20649530-G-C.
Other names: c.698G>C, p.Trp233Ser (NM_001318369.2); short protein forms W467S, W233S.
Identifiers: ClinVar variation 2129850 (VCV002129850.4), dbSNP rs867099087, ClinGen allele CA379917165.
Genomic context (GRCh38, chr11:20,627,984, plus strand): 5'-CCCCTGGCGCCAGTCTCCTTCATGGGTCTTGAATCTCTTTCCCTTTTGCCTCTCAGGTGT[G>C]GAAAGATGCTGCCACTCAGATTTTCTTCTCTTTATCTGCTGCATGGGGAGGCCTGATCAC-3'
Protein context (NP_004202.4, residues 457-477): KWEKLTDATV[Trp467Ser]KDAATQIFFS